The following is an entry in ClinVar:

NM_000434.4(NEU1):c.578C>A (p.Thr193Asn)

Gene: NEU1 (neuraminidase 1; minus strand). Cytogenetic location: 6p21.33.
Variant type: single nucleotide variant.
Coding change: c.578C>A on transcript NM_000434.4 (MANE Select); coding-DNA position 578, C replaced by A.
Protein change: p.Thr193Asn; replaces threonine 193 with asparagine.
Molecular consequence: missense variant.
Genome position (GRCh38, 1-based): chr6:31,861,225, G>T on the plus strand (C>A on the coding strand, the complement: NEU1 is on the minus strand). VCF-style: chr6-31861225-G-T. GRCh37 (hg19) VCF-style: chr6-31829002-G-T.
Other names: c.578C>A (NM_000434.3); short protein forms T193N.
Identifiers: ClinVar variation 1496950 (VCV001496950.9), dbSNP rs757068203, ClinGen allele CA3725016.
Genomic context (GRCh38, chr6:31,861,225, plus strand): 5'-CACCTATCTCCTAGGACAGAGACCTGAATACCAGAGCCCGGTCCAGGGGCAAACACTTCA[G>T]TGCCAATATCCAGGGAGAGATTCCGGGGTGTGCTCCAGGAAACACCATCATCCTTGCTCC-3'
Protein context (NP_000425.1, residues 183-203): TPRNLSLDIG[Thr193Asn]EVFAPGPGSG

ClinVar aggregate classification (germline): Uncertain significance. Review status: criteria provided, multiple submitters, no conflicts (2 of 4 stars). 3 submissions from 3 submitters: Uncertain significance (2). 1 of the submissions does not count toward it. Last evaluated 2024-10-11.

Conditions:
NEU1-related disorder. Also called: NEU1-related condition.
Inborn genetic diseases. Identifiers: MedGen C0950123, MeSH D030342.

Allele frequency attached by ClinVar (database versions not stated): gnomAD 0.00008 and 0.00009; gnomAD exomes 0.00008 and 0.00012; ExAC 0.00016.
gnomAD v4.1: 126 of 1,612,422 alleles (0.0078%); highest among the groups gnomAD compares: Non-Finnish European, 0.0097%; no homozygotes.

Submissions (3):

Ambry Genetics
Classification: Uncertain significance for Inborn genetic diseases. Last evaluated: 2024-10-11. Review status: criteria provided, single submitter. Criteria: Ambry Variant Classification Scheme 2023. Collection method: clinical testing. Allele origin: germline.

Labcorp Genetics (formerly Invitae), Labcorp
Classification: Uncertain significance. Last evaluated: 2022-10-24. Review status: criteria provided, single submitter. Criteria: Invitae Variant Classification Sherloc (09022015). Collection method: clinical testing. Allele origin: germline.
Comment: This sequence change replaces threonine, which is neutral and polar, with asparagine, which is neutral and polar, at codon 193 of the NEU1 protein (p.Thr193Asn). This variant is present in population databases (rs757068203, gnomAD 0.02%). This variant has not been reported in the literature in individuals affected with NEU1-related conditions. ClinVar contains an entry for this variant (Variation ID: 1496950). Advanced modeling of protein sequence and biophysical properties (such as structural, functional, and spatial information, amino acid conservation, physicochemical variation, residue mobility, and thermodynamic stability) performed at Invitae indicates that this missense variant is not expected to disrupt NEU1 protein function. In summary, the available evidence is currently insufficient to determine the role of this variant in disease. Therefore, it has been classified as a Variant of Uncertain Significance.

PreventionGenetics, part of Exact Sciences
Classification: Uncertain significance for NEU1-related condition. Last evaluated: 2023-12-08. Review status: no assertion criteria provided. Collection method: clinical testing. Allele origin: germline. Not counted in ClinVar's aggregate classification.
Comment: The NEU1 c.578C>A variant is predicted to result in the amino acid substitution p.Thr193Asn. To our knowledge, this variant has not been reported in the literature. This variant is reported in 0.022% of alleles in individuals of European (Non-Finnish) descent in gnomAD. At this time, the clinical significance of this variant is uncertain due to the absence of conclusive functional and genetic evidence.